The following is an entry in ClinVar:

NM_001164665.2(KIAA1549):c.4442G>A (p.Arg1481Gln)

Gene: KIAA1549 (KIAA1549; minus strand). Cytogenetic location: 7q34.
Variant type: single nucleotide variant.
Coding change: c.4442G>A on transcript NM_001164665.2 (MANE Select); coding-DNA position 4442, G replaced by A.
Protein change: p.Arg1481Gln; replaces arginine 1481 with glutamine.
Molecular consequence: missense variant.
Genome position (GRCh38, 1-based): chr7:138,871,266, C>T on the plus strand (G>A on the coding strand, the complement: KIAA1549 is on the minus strand). VCF-style: chr7-138871266-C-T. GRCh37 (hg19) VCF-style: chr7-138556012-C-T.
Other names: c.4442G>A, p.Arg1481Gln (NM_020910.3); short protein forms R1481Q.
Identifiers: ClinVar variation 1496059 (VCV001496059.3), dbSNP rs866370222, ClinGen allele CA167139157.
Genomic context (GRCh38, chr7:138,871,266, plus strand): 5'-CGCTGGACGGGAGGTGCCGGGATCGGCTGCATGGCGATAAGCTGGATCTTACTGGGGACC[C>T]GCCGGCTAGCCTCCGGGGGGCGGGAGATCCTGTCCACGTGCTCGAAGATGGAGGCTGATG-3'
Protein context (NP_001158137.1, residues 1471-1491): RISRPPEASR[Arg1481Gln]VPSKIQLIAM

ClinVar aggregate classification (germline): Uncertain significance (1 of 4 stars; one submission).

Allele frequency attached by ClinVar (database versions not stated): gnomAD 0.00001; gnomAD exomes 0.00001 and 0.00002; TOPMed 0.00002.
gnomAD v4.1: 24 of 1,611,732 alleles (0.0015%); highest among the groups gnomAD compares: East Asian, 0.0022%; no homozygotes.

Submission:

Labcorp Genetics (formerly Invitae), Labcorp
Classification: Uncertain significance. Last evaluated: 2022-02-09. Review status: criteria provided, single submitter. Criteria: Invitae Variant Classification Sherloc (09022015). Collection method: clinical testing. Allele origin: germline.
Comment: This sequence change replaces arginine, which is basic and polar, with glutamine, which is neutral and polar, at codon 1481 of the KIAA1549 protein (p.Arg1481Gln). This variant is present in population databases (no rsID available, gnomAD 0.006%). This variant has not been reported in the literature in individuals affected with KIAA1549-related conditions. Algorithms developed to predict the effect of missense changes on protein structure and function output the following: SIFT: "Deleterious"; PolyPhen-2: "Benign"; Align-GVGD: "Class C35". The glutamine amino acid residue is found in multiple mammalian species, which suggests that this missense change does not adversely affect protein function. In summary, the available evidence is currently insufficient to determine the role of this variant in disease. Therefore, it has been classified as a Variant of Uncertain Significance.